The following is an entry in ClinVar:

NM_005585.5(SMAD6):c.872T>C (p.Leu291Pro)

Gene: SMAD6 (SMAD family member 6; plus strand). Cytogenetic location: 15q22.31.
Variant type: single nucleotide variant.
Coding change: c.872T>C on transcript NM_005585.5 (MANE Select); coding-DNA position 872, T replaced by C.
Protein change: p.Leu291Pro; replaces leucine 291 with proline.
Molecular consequence: missense variant. On other transcripts: non-coding transcript variant (1).
Genome position (GRCh38, 1-based): chr15:66,711,722, T>C. VCF-style: chr15-66711722-T-C. GRCh37 (hg19) VCF-style: chr15-67004060-T-C.
Other names: c.872T>C (NM_005585.4); short protein forms L291P.
Identifiers: ClinVar variation 1437413 (VCV001437413.11), dbSNP rs768096418, ClinGen allele CA271688990.

ClinVar aggregate classification (germline): Uncertain significance. Review status: criteria provided, multiple submitters, no conflicts (2 of 4 stars). 3 submissions from 3 submitters: Uncertain significance (3). Last evaluated 2026-04-21.

Conditions:
Aortic valve disease 2 (AOVD2). Identifiers: MedGen C3542024, MONDO:0013902, OMIM 614823.
Craniosynostosis 7 (CRS7). Also called: CRANIOSYNOSTOSIS 7, DIGENIC; CRS7, DIGENIC. Identifiers: MedGen C4479496, MONDO:0044315, OMIM 617439.
Inborn genetic diseases. Identifiers: MedGen C0950123, MeSH D030342.

Allele frequency attached by ClinVar (database versions not stated): gnomAD exomes below 0.00001 and 0.00002; gnomAD 0.00001; TOPMed 0.00002.
gnomAD v4.1: 34 of 1,612,402 alleles (0.0021%); highest among the groups gnomAD compares: Non-Finnish European, 0.0027%; no homozygotes.

Submissions (3):

Ambry Genetics
Classification: Uncertain significance for Inborn genetic diseases. Last evaluated: 2026-04-21. Review status: criteria provided, single submitter. Criteria: Ambry Variant Classification Scheme 2023. Collection method: clinical testing. Allele origin: germline.

Labcorp Genetics (formerly Invitae), Labcorp
Classification: Uncertain significance for Aortic valve disease 2. Last evaluated: 2025-01-19. Review status: criteria provided, single submitter. Criteria: Invitae Variant Classification Sherloc (09022015). Collection method: clinical testing. Allele origin: germline.
Comment: This sequence change replaces leucine, which is neutral and non-polar, with proline, which is neutral and non-polar, at codon 291 of the SMAD6 protein (p.Leu291Pro). This variant is present in population databases (rs768096418, gnomAD 0.0009%). This variant has not been reported in the literature in individuals affected with SMAD6-related conditions. ClinVar contains an entry for this variant (Variation ID: 1437413). An algorithm developed to predict the effect of missense changes on protein structure and function (PolyPhen-2) suggests that this variant is likely to be tolerated. In summary, the available evidence is currently insufficient to determine the role of this variant in disease. Therefore, it has been classified as a Variant of Uncertain Significance.

Victorian Clinical Genetics Services, Murdoch Childrens Research Institute
Classification: Uncertain significance for Craniosynostosis 7. Last evaluated: 2023-07-16. Review status: criteria provided, single submitter. Criteria: ACMG Guidelines, 2015. Collection method: clinical testing. Allele origin: germline. Inheritance: Autosomal dominant inheritance. Affected: yes.
Comment: Based on the classification scheme VCGS_Germline_v1.3.4, this variant is classified as VUS-3B. Following criteria are met: 0102 - Loss of function is a known mechanism of disease in this gene and is associated with aortic valve disease 2 (MIM#614823) and craniosynostosis 7 (MIM#617439). (I) 0107 - This gene is associated with autosomal dominant disease. (I) 0112 - The condition associated with this gene has incomplete penetrance. Incomplete penetrance is well reported for craniosynostosis susceptibility, but further evidence is required to establish this for aortic valve disease (PMIDs: 32499606, 30796334, 27606499). (I) 0200 - Variant is predicted to result in a missense amino acid change from leucine to proline. (I) 0251 - This variant is heterozygous. (I) 0302 - Variant is present in gnomAD (v2 & v3) <0.001 for a dominant condition (3 heterozygotes, 0 homozygotes). (SP) 0502 - Missense variant with conflicting in silico predictions and uninformative conservation. (I) 0604 - Variant is not located in an established domain, motif, hotspot or informative constraint region. (I) 0705 - No comparable missense variants have previous evidence for pathogenicity. (I) 0809 - Previous evidence of pathogenicity for this variant is inconclusive. This variant has been classified as a VUS by a clinical laboratory in ClinVar. (I) 0905 - No published segregation evidence has been identified for this variant. (I) 1007 - No published functional evidence has been identified for this variant. (I) 1208 - Inheritance information for this variant is not currently available in this individual. (I) Legend: (SP) - Supporting pathogenic, (I) - Information, (SB) - Supporting benign

Literature cited by the submitters: PubMed 27606499 (cited by Victorian Clinical Genetics Services, Murdoch Childrens Research Institute); PubMed 30796334 (cited by Victorian Clinical Genetics Services, Murdoch Childrens Research Institute); PubMed 32499606 (cited by Victorian Clinical Genetics Services, Murdoch Childrens Research Institute).